The following is an entry in ClinVar:

ClinVar aggregate classification (germline): Uncertain significance (1 of 4 stars; one submission).

gnomAD v4.1: 15 of 1,614,102 alleles (0.00093%); highest among the groups gnomAD compares: African/African-American, 0.02%; no homozygotes.

Submission:

GeneDx
Classification: Uncertain significance. Last evaluated: 2023-11-02. Review status: criteria provided, single submitter. Criteria: GeneDx Variant Classification Process June 2021. Collection method: clinical testing. Allele origin: germline. Affected: yes.
Comment: In silico analysis supports that this missense variant does not alter protein structure/function; Has not been previously published as pathogenic or benign to our knowledge

NM_014797.3(ZBTB24):c.1670C>A (p.Thr557Asn)

Gene: ZBTB24 (zinc finger and BTB domain containing 24; minus strand). Cytogenetic location: 6q21.
Variant type: single nucleotide variant.
Coding change: c.1670C>A on transcript NM_014797.3 (MANE Select); coding-DNA position 1670, C replaced by A.
Protein change: p.Thr557Asn; replaces threonine 557 with asparagine.
Molecular consequence: missense variant.
Genome position (GRCh38, 1-based): chr6:109,466,275, G>T on the plus strand (C>A on the coding strand, the complement: ZBTB24 is on the minus strand). VCF-style: chr6-109466275-G-T. GRCh37 (hg19) VCF-style: chr6-109787478-G-T.
Other names: short protein forms T557N.
Identifiers: ClinVar variation 3363425 (VCV003363425.1).